The following is an entry in ClinVar:

NM_006015.6(ARID1A):c.2718C>G (p.Asn906Lys)

Gene: ARID1A (AT-rich interaction domain 1A; plus strand). Cytogenetic location: 1p36.11.
Variant type: single nucleotide variant.
Coding change: c.2718C>G on transcript NM_006015.6 (MANE Select); coding-DNA position 2718, C replaced by G.
Protein change: p.Asn906Lys; replaces asparagine 906 with lysine.
Molecular consequence: missense variant.
Genome position (GRCh38, 1-based): chr1:26,763,271, C>G. VCF-style: chr1-26763271-C-G. GRCh37 (hg19) VCF-style: chr1-27089762-C-G.
Other names: c.2718C>G (NM_006015.4); c.2718C>G, p.Asn906Lys (NM_139135.4); short protein forms N906K.
Identifiers: ClinVar variation 871133 (VCV000871133.47), dbSNP rs201864573, ClinGen allele CA707047.
Genomic context (GRCh38, chr1:26,763,271, plus strand): 5'-ACCAGGGGGCATGAACCGGAAAACCCAAGAAACTGCTGTCGCCATGCATGTTGCTGCCAA[C>G]TCTATCCAAAACAGGTAAGGCCTGGGAAGCAGAGAGGGTGTCAGTGCAAGAAAATGTATT-3'
Protein context (NP_006006.3, residues 896-916): ETAVAMHVAA[Asn906Lys]SIQNRPPGYP

ClinVar aggregate classification (germline): Conflicting classifications of pathogenicity. Review status: criteria provided, conflicting classifications (1 of 4 stars). 4 submissions from 4 submitters: Uncertain significance (1); Likely benign (2). 1 of the submissions does not count toward it. Last evaluated 2025-08-21.

Conditions:
ARID1A-related disorder. Also called: ARID1A-related condition.

Allele frequency attached by ClinVar (database versions not stated): TOPMed 0.00009; gnomAD exomes 0.00011 and 0.00019; gnomAD 0.00015 and 0.00016; ESP Exome Variant Server 0.00031; ExAC 0.00032.
gnomAD v4.1: 178 of 1,606,490 alleles (0.011%); highest among the groups gnomAD compares: Non-Finnish European, 0.014%; 1 homozygote.

Submissions (4):

Labcorp Genetics (formerly Invitae), Labcorp
Classification: Likely benign. Last evaluated: 2025-08-21. Review status: criteria provided, single submitter. Criteria: Invitae Variant Classification Sherloc (09022015). Collection method: clinical testing. Allele origin: germline.

CeGaT Center for Human Genetics Tuebingen
Classification: Likely benign. Last evaluated: 2024-02-01. Review status: criteria provided, single submitter. Criteria: CeGaT Center For Human Genetics Tuebingen Variant Classification Criteria Version 2. Collection method: clinical testing. Allele origin: germline. Affected: yes. Observed: 3 variant alleles.
Comment: ARID1A: PP2, BS2

Institute for Clinical Genetics, University Hospital TU Dresden, University Hospital TU Dresden
Classification: Uncertain significance. Last evaluated: 2021-05-26. Review status: criteria provided, single submitter. Criteria: ACMG Guidelines, 2015. Collection method: clinical testing. Allele origin: maternal.

PreventionGenetics, part of Exact Sciences
Classification: Likely benign for ARID1A-related condition. Last evaluated: 2024-08-21. Review status: no assertion criteria provided. Collection method: clinical testing. Allele origin: germline. Not counted in ClinVar's aggregate classification.
Comment: This variant is classified as likely benign based on ACMG/AMP sequence variant interpretation guidelines (Richards et al. 2015 PMID: 25741868, with internal and published modifications).